The following is an entry in ClinVar:

ClinVar aggregate classification (germline): Uncertain significance (1 of 4 stars; one submission).

gnomAD v4.1: 1 of 1,609,020 alleles (0.000062%); highest among the groups gnomAD compares: Non-Finnish European, 0.000085%; no homozygotes.

Submission:

Labcorp Genetics (formerly Invitae), Labcorp
Classification: Uncertain significance. Last evaluated: 2024-10-17. Review status: criteria provided, single submitter. Criteria: Invitae Variant Classification Sherloc (09022015). Collection method: clinical testing. Allele origin: germline.
Comment: This sequence change replaces alanine, which is neutral and non-polar, with glycine, which is neutral and non-polar, at codon 416 of the JAK2 protein (p.Ala416Gly). This variant is not present in population databases (gnomAD no frequency). This variant has not been reported in the literature in individuals affected with JAK2-related conditions. Invitae Evidence Modeling of protein sequence and biophysical properties (such as structural, functional, and spatial information, amino acid conservation, physicochemical variation, residue mobility, and thermodynamic stability) indicates that this missense variant is not expected to disrupt JAK2 protein function with a negative predictive value of 95%. In summary, the available evidence is currently insufficient to determine the role of this variant in disease. Therefore, it has been classified as a Variant of Uncertain Significance.

NM_004972.4(JAK2):c.1247C>G (p.Ala416Gly)

Genes: INSL6 (insulin like 6; minus strand), JAK2 (Janus kinase 2; plus strand). Cytogenetic location: 9p24.1.
Variant type: single nucleotide variant.
Coding change: c.1247C>G on transcript NM_004972.4 (MANE Select); coding-DNA position 1247, C replaced by G.
Protein change: p.Ala416Gly; replaces alanine 416 with glycine.
Molecular consequence: missense variant. On other transcripts: non-coding transcript variant (2).
Genome position (GRCh38, 1-based): chr9:5,066,710, C>G. VCF-style: chr9-5066710-C-G. GRCh37 (hg19) VCF-style: chr9-5066710-C-G.
Other names: c.1247C>G, p.Ala416Gly (NM_001322194.2, NM_001322195.2, NM_001322196.2); c.32C>G, p.Ala11Gly (NM_001322198.2, NM_001322199.2); c.800C>G, p.Ala267Gly (NM_001322204.2); short protein forms A11G, A416G, A267G.
Identifiers: ClinVar variation 3694720 (VCV003694720.2).